The following is an entry in ClinVar:

NM_000271.5(NPC1):c.1757+1G>A

Gene: NPC1 (NPC intracellular cholesterol transporter 1; minus strand). Cytogenetic location: 18q11.2.
Variant type: single nucleotide variant.
Coding change: c.1757+1G>A on transcript NM_000271.5 (MANE Select); the canonical splice donor site of the intron after coding-DNA position 1757, G replaced by A.
Molecular consequence: splice donor variant.
Genome position (GRCh38, 1-based): chr18:23,548,005, C>T on the plus strand (G>A on the coding strand, the complement: NPC1 is on the minus strand). VCF-style: chr18-23548005-C-T. GRCh37 (hg19) VCF-style: chr18-21127969-C-T.
Other names: c.1757+1G>A (NM_000271.4).
Identifiers: ClinVar variation 2861221 (VCV002861221.4), dbSNP rs2058813191, ClinGen allele CA401773364.

ClinVar aggregate classification (germline): Likely pathogenic. Review status: criteria provided, multiple submitters, no conflicts (2 of 4 stars). 2 submissions from 2 submitters: Likely pathogenic (2). Last evaluated 2025-10-28.

Conditions:
Niemann-Pick disease, type C1. Also called: NIEMANN-PICK DISEASE, VARIANT TYPE C1; NEUROVISCERAL STORAGE DISEASE WITH VERTICAL SUPRANUCLEAR OPHTHALMOPLEGIA; NIEMANN-PICK DISEASE WITH CHOLESTEROL ESTERIFICATION BLOCK; NIEMANN-PICK DISEASE WITHOUT SPHINGOMYELINASE DEFICIENCY; NIEMANN-PICK DISEASE, CHRONIC NEURONOPATHIC FORM. Identifiers: Orphanet 646, MedGen C3179455, MONDO:0009757, OMIM 257220.

Submissions (2):

Natera, Inc.
Classification: Likely pathogenic for Niemann-Pick disease type C1. Last evaluated: 2025-10-28. Review status: criteria provided, single submitter. Criteria: Natera Variant Classification Schema (03/2026). Collection method: clinical testing. Allele origin: germline.
Comment: The c.1757+1G>A variant in NPC1 is a canonical splice donor site variant predicted to affect pre-mRNA splicing, which may result in an abnormal transcript and altered protein product. This variant is expected to result in nonsense mediated decay, truncation, or a dysfunctional protein product. This variant is rare in the general population with a frequency below the threshold expected for the associated phenotype(s). Given the available evidence, this variant is classified as Likely Pathogenic.

Labcorp Genetics (formerly Invitae), Labcorp
Classification: Likely pathogenic for Niemann-Pick disease, type C1. Last evaluated: 2023-05-01. Review status: criteria provided, single submitter. Criteria: Invitae Variant Classification Sherloc (09022015). Collection method: clinical testing. Allele origin: germline.
Comment: Algorithms developed to predict the effect of sequence changes on RNA splicing suggest that this variant may disrupt the consensus splice site. This variant has not been reported in the literature in individuals affected with NPC1-related conditions. This variant is not present in population databases (gnomAD no frequency). This sequence change affects a donor splice site in intron 11 of the NPC1 gene. It is expected to disrupt RNA splicing. Variants that disrupt the donor or acceptor splice site typically lead to a loss of protein function (PMID: 16199547), and loss-of-function variants in NPC1 are known to be pathogenic (PMID: 9211850). In summary, the currently available evidence indicates that the variant is pathogenic, but additional data are needed to prove that conclusively. Therefore, this variant has been classified as Likely Pathogenic.

Literature cited by the submitters: PubMed 16199547 (cited by Labcorp Genetics (formerly Invitae), Labcorp); PubMed 9211850 (cited by Labcorp Genetics (formerly Invitae), Labcorp).